The following is an entry in ClinVar:

ClinVar aggregate classification (germline): Conflicting classifications of pathogenicity. Review status: criteria provided, conflicting classifications (1 of 4 stars). 2 submissions from 2 submitters: Uncertain significance (1); Likely benign (1). Last evaluated 2025-04-14.

Conditions:
Cardiovascular phenotype. Identifiers: MedGen CN230736.
Arrhythmogenic right ventricular dysplasia 8 (ARVD8). Also called: Arrhythmogenic Right Ventricular Dysplasia/Cardiomyopathy 8; ARRHYTHMOGENIC RIGHT VENTRICULAR DYSPLASIA, FAMILIAL, 8; ARRHYTHMOGENIC RIGHT VENTRICULAR CARDIOMYOPATHY 8. Identifiers: MedGen C1843896, MONDO:0011831, OMIM 607450.
Arrhythmogenic cardiomyopathy with wooly hair and keratoderma. Also called: PALMOPLANTAR KERATODERMA WITH LEFT VENTRICULAR CARDIOMYOPATHY AND WOOLLY HAIR; Carvajal syndrome; Dilated cardiomyopathy with woolly hair and keratoderma; Arrhythmogenic cardiomyopathy with woolly hair and keratoderma. Identifiers: Orphanet 65282, MedGen C1854063, MONDO:0011581, OMIM 605676.

gnomAD v4.1: 2 of 1,599,912 alleles (0.00013%); highest among the groups gnomAD compares: East Asian, 0.0023%; no homozygotes.

Submissions (2):

Ambry Genetics
Classification: Uncertain significance for Cardiovascular phenotype. Last evaluated: 2025-04-14. Review status: criteria provided, single submitter. Criteria: Ambry Variant Classification Scheme 2023. Collection method: clinical testing. Allele origin: germline.
Comment: The p.R27C variant (also known as c.79C>T), located in coding exon 1 of the DSP gene, results from a C to T substitution at nucleotide position 79. The arginine at codon 27 is replaced by cysteine, an amino acid with highly dissimilar properties. This amino acid position is conserved. In addition, the in silico prediction for this alteration is inconclusive. Based on the available evidence, the clinical significance of this variant remains unclear.

Labcorp Genetics (formerly Invitae), Labcorp
Classification: Likely benign for Arrhythmogenic cardiomyopathy with wooly hair and keratoderma; Arrhythmogenic right ventricular dysplasia 8. Last evaluated: 2024-07-02. Review status: criteria provided, single submitter. Criteria: Invitae Variant Classification Sherloc (09022015). Collection method: clinical testing. Allele origin: germline.

NM_004415.4(DSP):c.79C>T (p.Arg27Cys)

Genes: DSP-AS1 (DSP antisense RNA 1; minus strand), DSP (desmoplakin; plus strand). Cytogenetic location: 6p24.3.
Variant type: single nucleotide variant.
Coding change: c.79C>T on transcript NM_004415.4 (MANE Select); coding-DNA position 79, C replaced by T.
Protein change: p.Arg27Cys; replaces arginine 27 with cysteine.
Molecular consequence: missense variant.
Genome position (GRCh38, 1-based): chr6:7,541,994, C>T. VCF-style: chr6-7541994-C-T. GRCh37 (hg19) VCF-style: chr6-7542227-C-T.
Other names: c.79C>T, p.Arg27Cys (NM_001008844.3, NM_001319034.2, NM_001406591.1); short protein forms R27C.
Identifiers: ClinVar variation 3757108 (VCV003757108.3).
Genomic context (GRCh38, chr6:7,541,994, plus strand): 5'-TCCCACCCGCGGATCAACACTCTGGGCCGCATGATCCGCGCCGAGTCTGGCCCGGACCTG[C>T]GCTACGAGGTGACCAGCGGCGGCGGGGGCACCAGCAGGATGTACTATTCTCGGCGCGGCG-3'
Protein context (NP_004406.2, residues 17-37): MIRAESGPDL[Arg27Cys]YEVTSGGGGT